The following is an entry in ClinVar:

GRCh37/hg19 Xq22.3(chrX:107802273-107802403)

Gene: COL4A5 (collagen type IV alpha 5 chain; plus strand). Cytogenetic location: Xq22.3.
Variant type: copy number loss.
Identifiers: ClinVar variation 1179171 (VCV001179171.2).

ClinVar aggregate classification (germline): Likely pathogenic (0 of 4 stars; one submission).

Conditions:
X-linked Alport syndrome (ATS1). Also called: COL4A5-Related Nephropathy; NEPHROPATHY AND DEAFNESS, X-LINKED. Identifiers: Orphanet 63, Orphanet 88917, MedGen C4746986, MONDO:0010520, OMIM 301050.

Submission:

Fulgent Genetics
Classification: Likely pathogenic for X-linked Alport syndrome. Review status: no assertion criteria provided. Collection method: clinical testing. Allele origin: unknown.
Comment: This variant has been detected in individual(s) who were sent for testing of Renasight - kidney gene panel.